The following is an entry in ClinVar:

ClinVar aggregate classification (germline): Uncertain significance (1 of 4 stars; one submission).

Conditions:
Aortic aneurysm, familial thoracic 7 (AAT7). Also called: AORTIC DISSECTION, FAMILIAL, WITH OR WITHOUT AORTIC ANEURYSM. Identifiers: MedGen C3151077, MONDO:0013418, OMIM 613780.

Submission:

Labcorp Genetics (formerly Invitae), Labcorp
Classification: Uncertain significance for Aortic aneurysm, familial thoracic 7. Last evaluated: 2026-01-21. Review status: criteria provided, single submitter. Criteria: Invitae Variant Classification Sherloc (09022015). Collection method: clinical testing. Allele origin: germline.
Comment: This sequence change replaces proline, which is neutral and non-polar, with tyrosine, which is neutral and polar, at codon 21 of the MYLK protein (p.Pro21Tyr). This variant is present in population databases (no rsID available, gnomAD 0.001%). This variant has not been reported in the literature in individuals affected with MYLK-related conditions. ClinVar contains an entry for this variant (Variation ID: 2140176). An algorithm developed to predict the effect of missense changes on protein structure and function (PolyPhen-2) suggests that this variant is likely to be disruptive. In summary, the available evidence is currently insufficient to determine the role of this variant in disease. Therefore, it has been classified as a Variant of Uncertain Significance.

NM_053025.4(MYLK):c.61_62delinsTA (p.Pro21Tyr)

Gene: MYLK (myosin light chain kinase; minus strand). Cytogenetic location: 3q21.1.
Variant type: Indel.
Coding change: c.61_62delinsTA on transcript NM_053025.4 (MANE Select); coding-DNA positions 61 to 62, CC replaced by TA.
Protein change: p.Pro21Tyr; replaces proline 21 with tyrosine.
Molecular consequence: missense variant. On other transcripts: 5 prime UTR variant (1).
Genome position (GRCh38, 1-based): chr3:123,793,780-123,793,781, GG replaced by TA on the plus strand (CC replaced by TA on the coding strand, the reverse complement: MYLK is on the minus strand). VCF-style: chr3-123793780-GG-TA. GRCh37 (hg19) VCF-style: chr3-123512627-GG-TA.
Other names: c.-260_-259delinsTA (NM_001321309.2); c.61_62delinsTA, p.Pro21Tyr (NM_053026.4, NM_053027.4, NM_053028.4); short protein forms P21Y.
Identifiers: ClinVar variation 2140176 (VCV002140176.4), dbSNP rs2475202529, ClinGen allele CA2580068655.